The following is an entry in ClinVar:

ClinVar aggregate classification (germline): Uncertain significance (1 of 4 stars; one submission).

gnomAD v4.1: 1 of 1,605,234 alleles (0.000062%); highest among the groups gnomAD compares: Non-Finnish European, 0.000085%; no homozygotes.

Submission:

Labcorp Genetics (formerly Invitae), Labcorp
Classification: Uncertain significance. Last evaluated: 2026-02-01. Review status: criteria provided, single submitter. Criteria: Invitae Variant Classification Sherloc (09022015). Collection method: clinical testing. Allele origin: germline.
Comment: This sequence change replaces isoleucine, which is neutral and non-polar, with valine, which is neutral and non-polar, at codon 93 of the PSMG2 protein (p.Ile93Val). This variant is not present in population databases (gnomAD no frequency). This variant has not been reported in the literature in individuals affected with PSMG2-related conditions. An algorithm developed to predict the effect of missense changes on protein structure and function (PolyPhen-2) suggests that this variant is likely to be tolerated. In summary, the available evidence is currently insufficient to determine the role of this variant in disease. Therefore, it has been classified as a Variant of Uncertain Significance.

NM_020232.5(PSMG2):c.277A>G (p.Ile93Val)

Gene: PSMG2 (proteasome assembly chaperone 2; plus strand). Cytogenetic location: 18p11.21.
Variant type: single nucleotide variant.
Coding change: c.277A>G on transcript NM_020232.5 (MANE Select); coding-DNA position 277, A replaced by G.
Protein change: p.Ile93Val; replaces isoleucine 93 with valine.
Molecular consequence: missense variant.
Genome position (GRCh38, 1-based): chr18:12,712,749, A>G. VCF-style: chr18-12712749-A-G. GRCh37 (hg19) VCF-style: chr18-12712748-A-G.
Other names: c.184A>G, p.Ile62Val (NM_147163.2); short protein forms I62V, I93V.
Identifiers: ClinVar variation 4797135 (VCV004797135.1).